The following is an entry in ClinVar:

ClinVar aggregate classification (germline): Pathogenic (1 of 4 stars; one submission).

Submission:

CeGaT Center for Human Genetics Tuebingen
Classification: Pathogenic. Last evaluated: 2026-05-01. Review status: criteria provided, single submitter. Criteria: CeGaT Center For Human Genetics Tuebingen Variant Classification Criteria Version 2. Collection method: clinical testing. Allele origin: germline. Affected: yes. Observed: 1 variant allele.
Comment: FLCN: PVS1, PM2

NM_144997.7(FLCN):c.877G>T (p.Glu293Ter)

Gene: FLCN (folliculin; minus strand). Cytogenetic location: 17p11.2.
Variant type: single nucleotide variant.
Coding change: c.877G>T on transcript NM_144997.7 (MANE Select); coding-DNA position 877, G replaced by T.
Protein change: p.Glu293Ter; replaces glutamic acid 293 with a stop codon.
Molecular consequence: nonsense.
Genome position (GRCh38, 1-based): chr17:17,219,204, C>A on the plus strand (G>T on the coding strand, the complement: FLCN is on the minus strand). VCF-style: chr17-17219204-C-A. GRCh37 (hg19) VCF-style: chr17-17122518-C-A.
Other names: c.931G>T, p.Glu311Ter (NM_001353229.2); c.877G>T, p.Glu293Ter (NM_001353230.2, NM_001353231.2); short protein forms E293*, E311*.
Identifiers: ClinVar variation 4874923 (VCV004874923.2).